The following is an entry in ClinVar:

NM_004104.5(FASN):c.4487T>C (p.Val1496Ala)

Gene: FASN (fatty acid synthase; minus strand). Cytogenetic location: 17q25.3.
Variant type: single nucleotide variant.
Coding change: c.4487T>C on transcript NM_004104.5 (MANE Select); coding-DNA position 4487, T replaced by C.
Protein change: p.Val1496Ala; replaces valine 1496 with alanine.
Molecular consequence: missense variant.
Genome position (GRCh38, 1-based): chr17:82,084,876, A>G on the plus strand (T>C on the coding strand, the complement: FASN is on the minus strand). VCF-style: chr17-82084876-A-G. GRCh37 (hg19) VCF-style: chr17-80042752-A-G.
Other names: short protein forms V1496A.
Identifiers: ClinVar variation 863364 (VCV000863364.10), dbSNP rs779132856, ClinGen allele CA8852033.

ClinVar aggregate classification (germline): Uncertain significance. Review status: criteria provided, multiple submitters, no conflicts (2 of 4 stars). 2 submissions from 2 submitters: Uncertain significance (2). Last evaluated 2023-12-07.

Conditions:
Epileptic encephalopathy. Identifiers: MedGen C0543888, HP:0200134.

Allele frequency attached by ClinVar (database versions not stated): ExAC below 0.00001; gnomAD 0.00001; gnomAD exomes 0.00001 and 0.00005; TOPMed 0.00002.
gnomAD v4.1: 67 of 1,550,370 alleles (0.0043%); highest among the groups gnomAD compares: Non-Finnish European, 0.0057%; no homozygotes.

Submissions (2):

Ambry Genetics
Classification: Uncertain significance. Last evaluated: 2023-12-07. Review status: criteria provided, single submitter. Criteria: Ambry Variant Classification Scheme 2023. Collection method: clinical testing. Allele origin: germline.

Labcorp Genetics (formerly Invitae), Labcorp
Classification: Uncertain significance for Epileptic encephalopathy. Last evaluated: 2022-04-28. Review status: criteria provided, single submitter. Criteria: Invitae Variant Classification Sherloc (09022015). Collection method: clinical testing. Allele origin: germline.
Comment: This variant has not been reported in the literature in individuals affected with FASN-related conditions. ClinVar contains an entry for this variant (Variation ID: 863364). Algorithms developed to predict the effect of missense changes on protein structure and function (SIFT, PolyPhen-2, Align-GVGD) all suggest that this variant is likely to be tolerated. In summary, the available evidence is currently insufficient to determine the role of this variant in disease. Therefore, it has been classified as a Variant of Uncertain Significance. This sequence change replaces valine, which is neutral and non-polar, with alanine, which is neutral and non-polar, at codon 1496 of the FASN protein (p.Val1496Ala). This variant is present in population databases (rs779132856, gnomAD 0.003%).